The following is an entry in ClinVar:

ClinVar aggregate classification (germline): Uncertain significance (1 of 4 stars; one submission).

Conditions:
Breast-ovarian cancer, familial, susceptibility to, 1 (BROVCA1). Also called: BRCA1 Hereditary Breast and Ovarian Cancer; OVARIAN CANCER, SUSCEPTIBILITY TO. Identifiers: Orphanet 145, MedGen C2676676, MONDO:0011450, OMIM 604370. Disease mechanism: loss of function.

Allele frequency attached by ClinVar (database versions not stated): gnomAD exomes below 0.00001.
gnomAD v4.1: 1 of 1,614,160 alleles (0.000062%); highest among the groups gnomAD compares: South Asian, 0.0011%; no homozygotes.

Submission:

All of Us Research Program, National Institutes of Health
Classification: Uncertain significance for Breast-ovarian cancer, familial, susceptibility to, 1. Last evaluated: 2023-03-28. Review status: criteria provided, single submitter. Criteria: ACMG Guidelines, 2015. Collection method: clinical testing. Allele origin: germline. Inheritance: Autosomal dominant inheritance. Observed: 1 variant allele, 1 heterozygote.
Comment: This study involves interpretation of variants in research participants for the purpose of population health screening. Participant phenotype was not available at the time of variant classification. Additional details can be found in publication PMID: 35346344, PMCID: PMC8962531

NM_007294.4(BRCA1):c.3686T>C (p.Leu1229Ser)

Genes: BRCA1 (BRCA1 DNA repair associated; minus strand), LOC126862571 (BRD4-independent group 4 enhancer GRCh37_chr17:41243136-41244335; plus strand). Cytogenetic location: 17q21.31.
Variant type: single nucleotide variant.
Coding change: c.3686T>C on transcript NM_007294.4 (MANE Select); coding-DNA position 3686, T replaced by C.
Protein change: p.Leu1229Ser; replaces leucine 1229 with serine.
Molecular consequence: missense variant. On other transcripts: intron variant (135).
Genome position (GRCh38, 1-based): chr17:43,091,845, A>G on the plus strand (T>C on the coding strand, the complement: BRCA1 is on the minus strand). VCF-style: chr17-43091845-A-G. GRCh37 (hg19) VCF-style: chr17-41243862-A-G.
Other names: c.668-813T>C (NM_001408421.1, NM_001408431.1, NM_001408424.1); c.785-813T>C (NM_001407991.1, NM_001408407.1, NM_001408402.1 and 13 more transcripts); c.665-813T>C (NM_001408427.1, NM_001408443.1, NM_001408439.1 and 12 more transcripts); c.524-813T>C (NM_001408496.1, NM_001408499.1, NM_001408498.1 and 3 more transcripts); c.647-813T>C (NM_001408460.1, NM_001408454.1, NM_001408456.1 and 11 more transcripts); c.707-813T>C (NM_001408413.1, NM_001408416.1); c.587-813T>C (NM_001408476.1, NM_001408474.1); c.710-813T>C (NM_001408409.1, NM_001408414.1, NM_001408411.1 and 2 more transcripts); and 41 more; short protein forms L1061S, L1101S, L1102S, L1117S, L1118S, L1140S, L1141S, L1158S.
Identifiers: ClinVar variation 3069954 (VCV003069954.1), dbSNP rs2053543910, ClinGen allele CA10594592.
Genomic context (GRCh38, chr17:43,091,845, plus strand): 5'-GTAGCAACGGTGCTATGCCTAGTAGACTGAGAAGGTATATTGTTTACTTTACCAAATAAC[A>G]AGTGTTGGAAGCAGGGAAGCTCTTCATCCTCACTAGATAAGTTCTCTTCTGAGGACTCTA-3'
Protein context (NP_009225.1, residues 1219-1239): EDEELPCFQH[Leu1229Ser]LFGKVNNIPS